The following is an entry in ClinVar:

ClinVar aggregate classification (germline): Uncertain significance (1 of 4 stars; one submission).

Allele frequency attached by ClinVar (database versions not stated): TOPMed below 0.00001; gnomAD 0.00001; gnomAD exomes 0.00002.
gnomAD v4.1: 27 of 1,613,522 alleles (0.0017%); highest among the groups gnomAD compares: Non-Finnish European, 0.0021%; no homozygotes.

Submission:

Labcorp Genetics (formerly Invitae), Labcorp
Classification: Uncertain significance. Last evaluated: 2024-08-12. Review status: criteria provided, single submitter. Criteria: Invitae Variant Classification Sherloc (09022015). Collection method: clinical testing. Allele origin: germline.
Comment: This sequence change replaces leucine, which is neutral and non-polar, with proline, which is neutral and non-polar, at codon 2723 of the PCLO protein (p.Leu2723Pro). This variant is present in population databases (no rsID available, gnomAD 0.007%). This variant has not been reported in the literature in individuals affected with PCLO-related conditions. ClinVar contains an entry for this variant (Variation ID: 1513634). Experimental studies and prediction algorithms are not available or were not evaluated, and the functional significance of this variant is currently unknown. In summary, the available evidence is currently insufficient to determine the role of this variant in disease. Therefore, it has been classified as a Variant of Uncertain Significance.

NM_033026.6(PCLO):c.8168T>C (p.Leu2723Pro)

Gene: PCLO (piccolo presynaptic cytomatrix protein; minus strand). Cytogenetic location: 7q21.11.
Variant type: single nucleotide variant.
Coding change: c.8168T>C on transcript NM_033026.6 (MANE Select); coding-DNA position 8168, T replaced by C.
Protein change: p.Leu2723Pro; replaces leucine 2723 with proline.
Molecular consequence: missense variant.
Genome position (GRCh38, 1-based): chr7:82,952,785, A>G on the plus strand (T>C on the coding strand, the complement: PCLO is on the minus strand). VCF-style: chr7-82952785-A-G. GRCh37 (hg19) VCF-style: chr7-82582101-A-G.
Other names: c.8168T>C, p.Leu2723Pro (NM_014510.3); short protein forms L2723P.
Identifiers: ClinVar variation 1513634 (VCV001513634.8), dbSNP rs1472573806, ClinGen allele CA367911713.
Genomic context (GRCh38, chr7:82,952,785, plus strand): 5'-TTATCAGTTGTTTTAACTTCTACCTTTGGTACTGTACGCAAATCAATTACATCACCAACA[A>G]GTTGCAATTTTCCATCTTCTTTATACTGAGGCTTCTCTAAATGTATGTTATCTAGAGCAA-3'
Protein context (NP_149015.2, residues 2713-2733): PQYKEDGKLQ[Leu2723Pro]VGDVIDLRTV